The following is an entry in ClinVar:

NM_001378615.1(CC2D2A):c.3663del (p.Glu1223fs)

Genes: CC2D2A (coiled-coil and C2 domain containing 2A; plus strand), FBXL5 (F-box and leucine rich repeat protein 5; minus strand). Cytogenetic location: 4p15.32.
Variant type: Deletion.
Coding change: c.3663del on transcript NM_001378615.1 (MANE Select); coding-DNA position 3663, one base deleted (T; older notation c.3663delT).
Protein change: p.Glu1223fs; shifts the reading frame from glutamic acid 1223.
Molecular consequence: frameshift variant.
Genome position (GRCh38, 1-based): chr4:15,574,218, T deleted; the last of 2 consecutive T bases (chr4:15,574,217-15,574,218); deleting either gives the same sequence. VCF-style (leftmost placement, unchanged base first): chr4-15574216-AT-A. GRCh37 (hg19) VCF-style: chr4-15575839-AT-A.
Other names: c.3663del, p.Glu1223fs (NM_001080522.2); c.3516del, p.Glu1174fs (NM_001378617.1); short protein forms E1174fs, E1223fs.
Identifiers: ClinVar variation 5014135 (VCV005014135.1).
Genomic context (GRCh38, chr4:15,574,216, plus strand): 5'-GGAACATTTAAAATAGATATTCCCCCAGTTCTTCTGGGCTACAGTAAGGAGCGAAATATG[AT>A]TCTTGAGCGGGGTTTTGATTCTGTCCGAAGCTTAAGTGAAGGCTCCTACATTACCCTCTT-3'

ClinVar aggregate classification (germline): Pathogenic (1 of 4 stars; one submission).

Conditions:
Joubert syndrome and related disorders. Identifiers: Orphanet 140874, MedGen C5679612, MONDO:0015369.

Submission:

Myriad Genetics, Inc.
Classification: Pathogenic for Joubert syndrome and related disorders. Last evaluated: 2025-02-27. Review status: criteria provided, single submitter. Criteria: Myriad Autosomal Dominant, Autosomal Recessive and X-Linked Classification Criteria (2023). Collection method: clinical testing. Allele origin: unknown.
Comment: NM_001080522.2(CC2D2A):c.3663delT(E1223Sfs*10) is expected to be pathogenic in the context of CC2D2A-related disorders. This variant is predicted to lead to an abnormal or absent protein product due to the creation of a premature termination codon in CC2D2A, a gene where loss-of-function variants are known to be pathogenic. Please note: this variant was assessed in the context of healthy population screening.